The following is an entry in ClinVar:

NM_001286.5(CLCN6):c.2308C>T (p.Pro770Ser)

Gene: CLCN6 (chloride voltage-gated channel 6; plus strand). Cytogenetic location: 1p36.22.
Variant type: single nucleotide variant.
Coding change: c.2308C>T on transcript NM_001286.5 (MANE Select); coding-DNA position 2308, C replaced by T.
Protein change: p.Pro770Ser; replaces proline 770 with serine.
Molecular consequence: missense variant. On other transcripts: non-coding transcript variant (1).
Genome position (GRCh38, 1-based): chr1:11,838,347, C>T. VCF-style: chr1-11838347-C-T. GRCh37 (hg19) VCF-style: chr1-11898404-C-T.
Other names: c.2242C>T, p.Pro748Ser (NM_001256959.2); short protein forms P770S, P748S.
Identifiers: ClinVar variation 1351597 (VCV001351597.6), dbSNP rs2100660816, ClinGen allele CA338442627.
Genomic context (GRCh38, chr1:11,838,347, plus strand): 5'-CTGGCCACTGCTGCCTGAGCACGGACAGTGTCTGGGTTGGAATTGCAGAGCGCCAGCCAG[C>T]CGCGCCTCTCCTATGCCGAGATGGCCGAGGACTACCCGCGGTACCCCGACATCCACGACC-3'
Protein context (NP_001277.2, residues 760-780): YSESQSSASQ[Pro770Ser]RLSYAEMAED

ClinVar aggregate classification (germline): Uncertain significance (1 of 4 stars; one submission).

Allele frequency attached by ClinVar (database versions not stated): gnomAD exomes below 0.00001.
gnomAD v4.1: 2 of 1,613,728 alleles (0.00012%); highest among the groups gnomAD compares: South Asian, 0.0011%; no homozygotes.

Submission:

Labcorp Genetics (formerly Invitae), Labcorp
Classification: Uncertain significance. Last evaluated: 2023-05-22. Review status: criteria provided, single submitter. Criteria: Invitae Variant Classification Sherloc (09022015). Collection method: clinical testing. Allele origin: germline.
Comment: In summary, the available evidence is currently insufficient to determine the role of this variant in disease. Therefore, it has been classified as a Variant of Uncertain Significance. An algorithm developed to predict the effect of missense changes on protein structure and function (PolyPhen-2) suggests that this variant is likely to be disruptive. ClinVar contains an entry for this variant (Variation ID: 1351597). This variant has not been reported in the literature in individuals affected with CLCN6-related conditions. This variant is not present in population databases (gnomAD no frequency). This sequence change replaces proline, which is neutral and non-polar, with serine, which is neutral and polar, at codon 770 of the CLCN6 protein (p.Pro770Ser).